The following is an entry in ClinVar:

ClinVar aggregate classification (germline): Uncertain significance (1 of 4 stars; one submission).

Conditions:
Hereditary cancer-predisposing syndrome. Also called: Neoplastic Syndromes, Hereditary; Tumor predisposition; Hereditary neoplastic syndrome; Hereditary Cancer Syndrome. Identifiers: Orphanet 140162, MedGen C0027672, MeSH D009386, MONDO:0015356.

Submission:

Color Diagnostics, LLC DBA Color Health
Classification: Uncertain significance for Hereditary cancer-predisposing syndrome. Last evaluated: 2023-12-04. Review status: criteria provided, single submitter. Criteria: ACMG Guidelines, 2015. Collection method: clinical testing. Allele origin: germline.
Comment: This missense variant replaces serine with threonine at codon 1504 of the APC protein. Computational prediction is inconclusive regarding the impact of this variant on protein structure and function (internally defined REVEL score threshold 0.5 < inconclusive < 0.7, PMID: 27666373). To our knowledge, functional studies have not been reported for this variant. This variant has not been reported in individuals affected with APC-related disorders in the literature. This variant has not been identified in the general population by the Genome Aggregation Database (gnomAD). The available evidence is insufficient to determine the role of this variant in disease conclusively. Therefore, this variant is classified as a Variant of Uncertain Significance.

NM_000038.6(APC):c.4510T>A (p.Ser1504Thr)

Gene: APC (APC regulator of Wnt signaling pathway; plus strand). Cytogenetic location: 5q22.2.
Variant type: single nucleotide variant.
Coding change: c.4510T>A on transcript NM_000038.6 (MANE Select); coding-DNA position 4510, T replaced by A.
Protein change: p.Ser1504Thr; replaces serine 1504 with threonine.
Molecular consequence: missense variant.
Genome position (GRCh38, 1-based): chr5:112,840,104, T>A. VCF-style: chr5-112840104-T-A. GRCh37 (hg19) VCF-style: chr5-112175801-T-A.
Other names: c.4510T>A, p.Ser1504Thr (NM_001127510.3, NM_001354895.2); c.4456T>A, p.Ser1486Thr (NM_001127511.3); c.4564T>A, p.Ser1522Thr (NM_001354896.2); c.4540T>A, p.Ser1514Thr (NM_001354897.2); c.4435T>A, p.Ser1479Thr (NM_001354898.2); c.4426T>A, p.Ser1476Thr (NM_001354899.2); c.4387T>A, p.Ser1463Thr (NM_001354900.2); c.4333T>A, p.Ser1445Thr (NM_001354901.2); and 5 more; short protein forms S1486T, S1504T, S1344T, S1403T, S1413T, S1445T, S1476T, S1479T.
Identifiers: ClinVar variation 629872 (VCV000629872.5), dbSNP rs1561593124, ClinGen allele CA16031199.